The following is an entry in ClinVar:

ClinVar aggregate classification (germline): Likely benign. Review status: criteria provided, multiple submitters, no conflicts (2 of 4 stars). 3 submissions from 3 submitters: Likely benign (3). Last evaluated 2024-11-15.

Conditions:
RHO-related disorder. Also called: RHO-related condition.

Allele frequency attached by ClinVar (database versions not stated): gnomAD 0.00001; gnomAD exomes 0.00001 and 0.00002; ExAC 0.00002; TOPMed 0.00002.
gnomAD v4.1: 15 of 1,614,240 alleles (0.00093%); highest among the groups gnomAD compares: East Asian, 0.013%; no homozygotes.

Submissions (3):

PreventionGenetics, part of Exact Sciences
Classification: Likely benign for RHO-related condition. Last evaluated: 2024-11-15. Review status: criteria provided, single submitter. Criteria: ACMG Guidelines, 2015. Collection method: clinical testing. Allele origin: germline.
Comment: This variant is classified as likely benign based on ACMG/AMP sequence variant interpretation guidelines (Richards et al. 2015 PMID: 25741868, with internal and published modifications).

Labcorp Genetics (formerly Invitae), Labcorp
Classification: Likely benign. Last evaluated: 2024-02-15. Review status: criteria provided, single submitter. Criteria: Invitae Variant Classification Sherloc (09022015). Collection method: clinical testing. Allele origin: germline.

Blueprint Genetics
Classification: Likely benign. Last evaluated: 2023-02-09. Review status: criteria provided, single submitter. Criteria: ACMG Guidelines, 2015. Collection method: clinical testing. Allele origin: germline.

NM_000539.3(RHO):c.288C>T (p.Tyr96=)

Gene: RHO (rhodopsin; plus strand). Cytogenetic location: 3q22.1.
Variant type: single nucleotide variant.
Coding change: c.288C>T on transcript NM_000539.3 (MANE Select); coding-DNA position 288, C replaced by T.
Protein change: p.Tyr96=; no amino-acid change (tyrosine 96 retained).
Molecular consequence: synonymous variant.
Genome position (GRCh38, 1-based): chr3:129,529,021, C>T. VCF-style: chr3-129529021-C-T. GRCh37 (hg19) VCF-style: chr3-129247864-C-T.
Identifiers: ClinVar variation 1532261 (VCV001532261.10), dbSNP rs761338278, ClinGen allele CA2607102.